The following is an entry in ClinVar:

NM_001127222.2(CACNA1A):c.3569A>C (p.Asn1190Thr)

Gene: CACNA1A (calcium voltage-gated channel subunit alpha1 A; minus strand). Cytogenetic location: 19p13.13.
Variant type: single nucleotide variant.
Coding change: c.3569A>C on transcript NM_001127222.2 (MANE Select); coding-DNA position 3569, A replaced by C.
Protein change: p.Asn1190Thr; replaces asparagine 1190 with threonine.
Molecular consequence: missense variant.
Genome position (GRCh38, 1-based): chr19:13,285,191, T>G on the plus strand (A>C on the coding strand, the complement: CACNA1A is on the minus strand). VCF-style: chr19-13285191-T-G. GRCh37 (hg19) VCF-style: chr19-13396005-T-G.
Other names: c.3581A>C, p.Asn1194Thr (NM_000068.4, NM_023035.3); c.3572A>C, p.Asn1191Thr (NM_001127221.2, NM_001174080.2); short protein forms N1190T, N1191T, N1194T.
Identifiers: ClinVar variation 3384491 (VCV003384491.4).
Genomic context (GRCh38, chr19:13,285,191, plus strand): 5'-CCACGGTCGTCTTCCTCCTCCTCCTTCTTCTCTTCCTCTTTTTTTGGCAGTGGGTCTGGG[T>G]TGGCGTTTTTGTTCACTGTTGGGACAAGAACCAACACAGGGCTCCCTCCACAATTTCCCA-3'
Protein context (NP_001120694.1, residues 1180-1200): HTVVQVNKNA[Asn1190Thr]PDPLPKKEEE

ClinVar aggregate classification (germline): Uncertain significance. Review status: criteria provided, multiple submitters, no conflicts (2 of 4 stars). 3 submissions from 3 submitters: Uncertain significance (3). Last evaluated 2026-04-16.

Conditions:
Developmental and epileptic encephalopathy, 42 (DEE42A). Also called: DEVELOPMENTAL AND EPILEPTIC ENCEPHALOPATHY 42A; EPILEPTIC ENCEPHALOPATHY, EARLY INFANTILE, 42A; Epileptic encephalopathy, early infantile, 42. Identifiers: MedGen C4310716, MONDO:0014917, OMIM 617106.
Episodic ataxia type 2 (EA2). Also called: ATAXIA, EPISODIC, WITH NYSTAGMUS; ATAXIA, FAMILIAL PAROXYSMAL; CEREBELLAR ATAXIA, PAROXYSMAL, ACETAZOLAMIDE-RESPONSIVE; CEREBELLOPATHY, HEREDITARY PAROXYSMAL; EPISODIC ATAXIA, NYSTAGMUS-ASSOCIATED; ACETAZOLAMIDE-RESPONSIVE HEREDITARY PAROXYSMAL CEREBELLAR ATAXIA. Identifiers: Orphanet 97, MedGen C1720416, MONDO:0007163, OMIM 108500.
Inborn genetic diseases. Identifiers: MedGen C0950123, MeSH D030342.

gnomAD v4.1: 2 of 1,613,808 alleles (0.00012%); highest among the groups gnomAD compares: African/African-American, 0.0027%; no homozygotes.

Submissions (3):

Ambry Genetics
Classification: Uncertain significance for Inborn genetic diseases. Last evaluated: 2026-04-16. Review status: criteria provided, single submitter. Criteria: Ambry Variant Classification Scheme 2023. Collection method: clinical testing. Allele origin: germline.

GeneDx
Classification: Uncertain significance. Last evaluated: 2025-11-07. Review status: criteria provided, single submitter. Criteria: GeneDx Variant Classification Process June 2021. Collection method: clinical testing. Allele origin: germline.
Comment: Not observed at significant frequency in large population cohorts (gnomAD); In silico analysis supports that this missense variant has a deleterious effect on protein structure/function; Has not been previously published as pathogenic or benign to our knowledge

Labcorp Genetics (formerly Invitae), Labcorp
Classification: Uncertain significance for Developmental and epileptic encephalopathy, 42; Episodic ataxia type 2. Last evaluated: 2025-06-03. Review status: criteria provided, single submitter. Criteria: Invitae Variant Classification Sherloc (09022015). Collection method: clinical testing. Allele origin: germline.
Comment: This sequence change replaces asparagine, which is neutral and polar, with threonine, which is neutral and polar, at codon 1191 of the CACNA1A protein (p.Asn1191Thr). This variant is not present in population databases (gnomAD no frequency). This variant has not been reported in the literature in individuals affected with CACNA1A-related conditions. ClinVar contains an entry for this variant (Variation ID: 3384491). Invitae Evidence Modeling of protein sequence and biophysical properties (such as structural, functional, and spatial information, amino acid conservation, physicochemical variation, residue mobility, and thermodynamic stability) indicates that this missense variant is not expected to disrupt CACNA1A protein function with a negative predictive value of 95%. In summary, the available evidence is currently insufficient to determine the role of this variant in disease. Therefore, it has been classified as a Variant of Uncertain Significance.